The following is an entry in ClinVar:

ClinVar aggregate classification (germline): Uncertain significance. Review status: criteria provided, multiple submitters, no conflicts (2 of 4 stars). 2 submissions from 2 submitters: Uncertain significance (2). Last evaluated 2025-08-10.

Conditions:
Inborn genetic diseases. Identifiers: MedGen C0950123, MeSH D030342.

Submissions (2):

Ambry Genetics
Classification: Uncertain significance for Inborn genetic diseases. Last evaluated: 2025-08-10. Review status: criteria provided, single submitter. Criteria: Ambry Variant Classification Scheme 2023. Collection method: clinical testing. Allele origin: germline.

GeneDx
Classification: Uncertain significance. Last evaluated: 2020-11-30. Review status: criteria provided, single submitter. Criteria: GeneDx Variant Classification Process June 2021. Collection method: clinical testing. Allele origin: germline. Affected: yes.
Comment: Not observed in large population cohorts (Lek et al., 2016); In silico analysis supports that this missense variant has a deleterious effect on protein structure/function; Has not been previously published as pathogenic or benign to our knowledge

NM_018896.5(CACNA1G):c.5350A>G (p.Thr1784Ala)

Gene: CACNA1G (calcium voltage-gated channel subunit alpha1 G; plus strand). Cytogenetic location: 17q21.33.
Variant type: single nucleotide variant.
Coding change: c.5350A>G on transcript NM_018896.5 (MANE Select); coding-DNA position 5350, A replaced by G.
Protein change: p.Thr1784Ala; replaces threonine 1784 with alanine.
Molecular consequence: missense variant. On other transcripts: non-coding transcript variant (5).
Genome position (GRCh38, 1-based): chr17:50,618,266, A>G. VCF-style: chr17-50618266-A-G. GRCh37 (hg19) VCF-style: chr17-48695627-A-G.
Other names: c.5296A>G, p.Thr1766Ala (NM_001256324.2, NM_198386.3); c.5371A>G, p.Thr1791Ala (NM_001256325.2); c.5215A>G, p.Thr1739Ala (NM_001256326.2, NM_001256330.2); c.5329A>G, p.Thr1777Ala (NM_001256327.2); c.5275A>G, p.Thr1759Ala (NM_001256328.2); c.5248A>G, p.Thr1750Ala (NM_001256329.2, NM_198376.3, NM_198379.3 and 2 more transcripts); c.5194A>G, p.Thr1732Ala (NM_001256331.2); c.5179A>G, p.Thr1727Ala (NM_001256332.2); and 8 more; short protein forms T1727A, T1732A, T1739A, T1743A, T1746A, T1748A, T1750A, T1757A.
Identifiers: ClinVar variation 1304335 (VCV001304335.3), dbSNP rs2146283553, ClinGen allele CA400264227.